The following is an entry in ClinVar:

ClinVar aggregate classification (germline): Conflicting classifications of pathogenicity. Review status: criteria provided, conflicting classifications (1 of 4 stars). 2 submissions from 2 submitters: Uncertain significance (1); Benign (1). Last evaluated 2026-03-23.

Conditions:
Inborn genetic diseases. Identifiers: MedGen C0950123, MeSH D030342.
Neurodevelopmental disorder with hypotonia, stereotypic hand movements, and impaired language. Also called: Intellectual disability, autosomal dominant 20. Identifiers: Orphanet 228384, Orphanet 664410, MedGen C3150700, MONDO:0013266, OMIM 613443.

Allele frequency attached by ClinVar (database versions not stated): gnomAD exomes below 0.00001; TOPMed below 0.00001.
gnomAD v4.1: 6 of 1,613,984 alleles (0.00037%); highest among the groups gnomAD compares: Non-Finnish European, 0.00051%; no homozygotes.

Submissions (2):

Ambry Genetics
Classification: Uncertain significance for Inborn genetic diseases. Last evaluated: 2026-03-23. Review status: criteria provided, single submitter. Criteria: Ambry Variant Classification Scheme 2023. Collection method: clinical testing. Allele origin: germline.
Comment: The c.557T>C (p.V186A) alteration is located in exon 5 (coding exon 4) of the MEF2C gene. This alteration results from a T to C substitution at nucleotide position 557, causing the valine (V) at amino acid position 186 to be replaced by an alanine (A). Based on data from gnomAD, the C allele has an overall frequency of <0.001% (1/249258) total alleles studied. The highest observed frequency was 0.001% (1/113010) of European (non-Finnish) alleles. Based on insufficient or conflicting evidence, the clinical significance of this alteration remains unclear.

Labcorp Genetics (formerly Invitae), Labcorp
Classification: Benign for Neurodevelopmental disorder with hypotonia, stereotypic hand movements, and impaired language. Last evaluated: 2025-06-10. Review status: criteria provided, single submitter. Criteria: Invitae Variant Classification Sherloc (09022015). Collection method: clinical testing. Allele origin: germline.

NM_002397.5(MEF2C):c.557T>C (p.Val186Ala)

Gene: MEF2C (myocyte enhancer factor 2C; minus strand). Cytogenetic location: 5q14.3.
Variant type: single nucleotide variant.
Coding change: c.557T>C on transcript NM_002397.5 (MANE Select); coding-DNA position 557, T replaced by C.
Protein change: p.Val186Ala; replaces valine 186 with alanine.
Molecular consequence: missense variant.
Genome position (GRCh38, 1-based): chr5:88,751,889, A>G on the plus strand (T>C on the coding strand, the complement: MEF2C is on the minus strand). VCF-style: chr5-88751889-A-G. GRCh37 (hg19) VCF-style: chr5-88047706-A-G.
Other names: c.551T>C, p.Val184Ala (NM_001131005.2, NM_001364352.2, NM_001364343.2); c.611T>C, p.Val204Ala (NM_001193347.1, NM_001364338.2); c.413T>C, p.Val138Ala (NM_001193348.1, NM_001193349.3, NM_001364332.2 and 3 more transcripts); c.557T>C, p.Val186Ala (NM_001193350.2, NM_001308002.3, NM_001363581.2 and 18 more transcripts); c.179T>C, p.Val60Ala (NM_001364353.2, NM_001364356.2); c.131T>C, p.Val44Ala (NM_001364357.2); short protein forms V186A, V138A, V204A, V184A, V44A, V60A.
Identifiers: ClinVar variation 951682 (VCV000951682.11), dbSNP rs1561821810, ClinGen allele CA360423721.